The following is an entry in ClinVar:

NM_000548.5(TSC2):c.4223del (p.Gly1408fs)

Gene: TSC2 (TSC complex subunit 2; plus strand). Cytogenetic location: 16p13.3.
Variant type: Deletion.
Coding change: c.4223del on transcript NM_000548.5 (MANE Select); coding-DNA position 4223, one base deleted (G; older notation c.4223delG).
Protein change: p.Gly1408fs; shifts the reading frame from glycine 1408.
Molecular consequence: frameshift variant.
Genome position (GRCh38, 1-based): chr16:2,084,445, G deleted; the last of 3 consecutive G bases (chr16:2,084,443-2,084,445); deleting any one gives the same sequence. VCF-style (leftmost placement, unchanged base first): chr16-2084442-TG-T. GRCh37 (hg19) VCF-style: chr16-2134443-TG-T.
Other names: c.4022del, p.Gly1341fs (NM_001077183.3); c.4154del, p.Gly1385fs (NM_001114382.3); c.3914del, p.Gly1305fs (NM_001318827.2); c.3878del, p.Gly1293fs (NM_001318829.2); c.3491del, p.Gly1164fs (NM_001318831.2); c.4055del, p.Gly1352fs (NM_001318832.2); c.4025del, p.Gly1342fs (NM_001363528.2); c.4091del, p.Gly1364fs (NM_001370404.1); and 1 more; short protein forms G1352fs, G1164fs, G1293fs, G1341fs, G1364fs, G1385fs, G1305fs, G1342fs.
Identifiers: ClinVar variation 49813 (VCV000049813.3), dbSNP rs137854427, ClinGen allele CA020090.

ClinVar aggregate classification (germline): Pathogenic. Review status: criteria provided, single submitter (1 of 4 stars). 2 submissions from 2 submitters: Pathogenic (1). 1 of the submissions does not count toward it. Last evaluated 2016-07-13.

Conditions:
Tuberous sclerosis syndrome (TSC). Also called: Tuberous Sclerosis Complex; Tuberous sclerosis. Identifiers: Orphanet 805, MedGen C0041341, MONDO:0001734.

Submissions (2):

GeneDx
Classification: Pathogenic. Last evaluated: 2016-07-13. Review status: criteria provided, single submitter. Criteria: GeneDx Variant Classification (06012015). Collection method: clinical testing. Allele origin: germline. Affected: yes.
Comment: The c.4223delG variant in the TSC2 gene has been reported previously in association with tuberous sclerosis complex (TSC) (TSC2 LOVD). It was not observed in approximately 6,500 individuals of European and African American ancestry in the NHLBI Exome Sequencing Project, indicating it is not a common benign variant in these populations. The c.4223delG pathogenic variant in the TSC2 gene causes a frameshift starting with codon Glycine 1408, changes this amino acid to a Alanine residue and creates a premature Stop codon at position 3 of the new reading frame, denoted p.G1408AfsX3. This pathogenic variant is predicted to cause loss of normal protein function either through protein truncation or nonsense-mediated mRNA decay. Therefore, we interpret the c.4223delG as a pathogenic variant.

Tuberous sclerosis database (TSC2)
No classification provided. Condition: TSC. Review status: no classification provided. Criteria: Tuberous Sclerosis Database Assertion Criteria 2015. Collection method: curation. Allele origin: germline. Affected: yes. Not counted in ClinVar's aggregate classification.